The following is an entry in ClinVar:

ClinVar aggregate classification (germline): Pathogenic. Review status: criteria provided, multiple submitters, no conflicts (2 of 4 stars). 8 submissions from 8 submitters: Pathogenic (8). Last evaluated 2025-03-21.

Conditions:
ARSB-related disorder. Also called: ARSB-related condition.
Mucopolysaccharidosis type 6 (MPS6). Also called: ARSB DEFICIENCY; ARYLSULFATASE B DEFICIENCY; N-ACETYLGALACTOSAMINE-4-SULFATASE DEFICIENCY; MPS VI; MPS 6; Maroteaux Lamy syndrome. Identifiers: Orphanet 583, MedGen C0026709, MONDO:0009661, OMIM 253200.

Allele frequency attached by ClinVar (database versions not stated): gnomAD 0.00001 and 0.00002; gnomAD exomes 0.00001; TOPMed 0.00003.
gnomAD v4.1: 15 of 1,613,824 alleles (0.00093%); highest among the groups gnomAD compares: African/African-American, 0.0013%; no homozygotes.

Submissions (8):

PreventionGenetics, part of Exact Sciences
Classification: Pathogenic for ARSB-related condition. Last evaluated: 2025-03-21. Review status: criteria provided, single submitter. Criteria: ACMG Guidelines, 2015. Collection method: clinical testing. Allele origin: germline.
Comment: The ARSB c.571C>T variant is predicted to result in premature protein termination (p.Arg191*). This variant was reported in individuals with mucopolysaccharidosis VI (Karageorgos et al. 2007. PubMed ID: 17161971; Ferla et al. 2015. PubMed ID: 25654180). This variant has not been reported in a large population database (gnomAD), indicating this variant is rare. Nonsense variants in ARSB are expected to be pathogenic. This variant is interpreted as pathogenic.

Natera, Inc.
Classification: Pathogenic for Mucopolysaccharidosis type VI. Last evaluated: 2024-12-24. Review status: criteria provided, single submitter. Criteria: Natera Variant Classification Schema (03/2026). Collection method: clinical testing. Allele origin: germline.
Comment: The c.571C>T variant in ARSB is a nonsense variant predicted to introduce a stop codon at amino acid 191. This variant is expected to result in nonsense mediated decay, truncation, or a dysfunctional protein product. This variant is rare in the general population with a frequency below the threshold expected for the associated phenotype(s). This variant has been observed in one or more individuals affected with the associated recessive disease, as either homozygous or compound heterozygous with a second variant (PMID: 25654180). Given the available evidence, this variant is classified as Pathogenic.

Fulgent Genetics
Classification: Pathogenic for Mucopolysaccharidosis type 6. Last evaluated: 2024-05-07. Review status: criteria provided, single submitter. Criteria: ACMG Guidelines, 2015. Collection method: clinical testing. Allele origin: germline.

GeneDx
Classification: Pathogenic. Last evaluated: 2024-03-13. Review status: criteria provided, single submitter. Criteria: GeneDx Variant Classification Process June 2021. Collection method: clinical testing. Allele origin: germline. Affected: yes.
Comment: Nonsense variant predicted to result in protein truncation or nonsense mediated decay in a gene for which loss of function is a known mechanism of disease; Not observed at significant frequency in large population cohorts (gnomAD); This variant is associated with the following publications: (PMID: 25525159, 31589614, 25654180, 28884960, 30118150, 17458871)

Baylor Genetics
Classification: Pathogenic for Mucopolysaccharidosis type 6. Last evaluated: 2024-03-12. Review status: criteria provided, single submitter. Criteria: ACMG Guidelines, 2015. Collection method: clinical testing. Allele origin: unknown.

Labcorp Genetics (formerly Invitae), Labcorp
Classification: Pathogenic for Mucopolysaccharidosis type 6. Last evaluated: 2023-06-09. Review status: criteria provided, single submitter. Criteria: Invitae Variant Classification Sherloc (09022015). Collection method: clinical testing. Allele origin: germline.
Comment: For these reasons, this variant has been classified as Pathogenic. ClinVar contains an entry for this variant (Variation ID: 488679). This premature translational stop signal has been observed in individuals with mucopolysaccharidosis type VI (PMID: 17161971, 25654180). This variant is not present in population databases (gnomAD no frequency). This sequence change creates a premature translational stop signal (p.Arg191*) in the ARSB gene. It is expected to result in an absent or disrupted protein product. Loss-of-function variants in ARSB are known to be pathogenic (PMID: 17458871, 22133300).

Women's Health and Genetics/Laboratory Corporation of America, LabCorp
Classification: Pathogenic for Mucopolysaccharidosis type 6. Last evaluated: 2023-02-10. Review status: criteria provided, single submitter. Criteria: LabCorp Variant Classification Summary - May 2015. Collection method: clinical testing. Allele origin: germline.
Comment: Variant summary: ARSB c.571C>T (p.Arg191X) results in a premature termination codon, predicted to cause a truncation of the encoded protein or absence of the protein due to nonsense mediated decay, which are commonly known mechanisms for disease. Truncations downstream of this position have been classified as pathogenic by our laboratory. The variant was absent in 251302 control chromosomes. c.571C>T has been reported in the literature in multiple individuals affected with Mucopolysaccharidosis Type VI (Maroteaux-Lamy Syndrome) (e.g. Karageorgos_2006, Ferla_2015). These data indicate that the variant is very likely to be associated with disease. Four clinical diagnostic laboratories have submitted clinical-significance assessments for this variant to ClinVar after 2014 and classified the variant as pathogenic (n=4). Based on the evidence outlined above, the variant was classified as pathogenic.

Laboratory of Diagnosis and Therapy of Lysosomal Disorders, University of Padova
Classification: Pathogenic for Mucopolysaccharidosis type 6. Last evaluated: 2018-01-01. Review status: criteria provided, single submitter. Criteria: ACMG Guidelines, 2015. Collection method: curation. Allele origin: germline. Affected: yes.
Comment: Nonsense variant (PVS1); Absent from Gnomad (PM2); Reputable source identifies as pathogenic (PP5)

Literature cited by the submitters: PubMed 25654180 (cited by 4 submitters); PubMed 17161971 (cited by 3 submitters); PubMed 17458871 (cited by Labcorp Genetics (formerly Invitae), Labcorp and Women's Health and Genetics/Laboratory Corporation of America, LabCorp); PubMed 22133300 (cited by Labcorp Genetics (formerly Invitae), Labcorp); PubMed 30118150 (cited by Laboratory of Diagnosis and Therapy of Lysosomal Disorders, University of Padova).

NM_000046.5(ARSB):c.571C>T (p.Arg191Ter)

Gene: ARSB (arylsulfatase B; minus strand). Cytogenetic location: 5q14.1.
Variant type: single nucleotide variant.
Coding change: c.571C>T on transcript NM_000046.5 (MANE Select); coding-DNA position 571, C replaced by T.
Protein change: p.Arg191Ter; replaces arginine 191 with a stop codon.
Molecular consequence: nonsense.
Genome position (GRCh38, 1-based): chr5:78,964,535, G>A on the plus strand (C>T on the coding strand, the complement: ARSB is on the minus strand). VCF-style: chr5-78964535-G-A. GRCh37 (hg19) VCF-style: chr5-78260358-G-A.
Other names: c.571C>T, p.Arg191Ter (NM_198709.3); short protein forms R191*.
Identifiers: ClinVar variation 488679 (VCV000488679.24), dbSNP rs371886102, ClinGen allele CA121104145.